The following is an entry in ClinVar:

ClinVar aggregate classification (germline): Benign/Likely benign. Review status: criteria provided, multiple submitters, no conflicts (2 of 4 stars). 10 submissions from 10 submitters: Benign (7); Likely benign (2). 1 of the submissions does not count toward it. Last evaluated 2026-02-04.

Conditions:
Retinal dystrophy. Also called: Inherited retinal dystrophy. Identifiers: Orphanet 71862, MedGen C0854723, MeSH D058499, MONDO:0019118, HP:0000556.
Retinitis pigmentosa (RP). Identifiers: Orphanet 791, MedGen C0035334, MeSH D012174, MONDO:0019200, OMIM 268000. Inheritance: Autosomal dominant, autosomal recessive and X linked inheritance.
Hypertriglyceridemia 1. Also called: Hypertriglyceridemia, familial. Identifiers: MedGen C5444012, MONDO:0007788, OMIM 145750.
Retinitis pigmentosa 1 (RP1). Identifiers: Orphanet 791, MedGen C0220701, MONDO:0008377, OMIM 180100.

Allele frequency attached by ClinVar (database versions not stated): 1000 Genomes Project 30x 0.25265; TOPMed 0.31736; gnomAD 0.33006; ExAC 0.34751; gnomAD exomes 0.34333 and 0.39060; 1000 Genomes Project 0.25000.
gnomAD v4.1: 620,674 of 1,613,258 alleles (38%); highest among the groups gnomAD compares: Middle Eastern, 47%; 125,356 homozygotes.

Submissions (10):

Labcorp Genetics (formerly Invitae), Labcorp
Classification: Benign. Last evaluated: 2026-02-04. Review status: criteria provided, single submitter. Criteria: Invitae Variant Classification Sherloc (09022015). Collection method: clinical testing. Allele origin: germline.

Blueprint Genetics
Classification: Benign. Last evaluated: 2024-11-27. Review status: criteria provided, single submitter. Criteria: ACMG Guidelines, 2015. Collection method: clinical testing. Allele origin: germline.

Dept Of Ophthalmology, Nagoya University
Classification: Benign for Retinal dystrophy. Last evaluated: 2023-10-01. Review status: criteria provided, single submitter. Criteria: Submitter's publication. Collection method: research. Allele origin: germline. Affected: yes.

Genome-Nilou Lab
Classification: Benign for Retinitis pigmentosa 1. Last evaluated: 2021-11-07. Review status: criteria provided, single submitter. Criteria: ACMG Guidelines, 2015. Collection method: clinical testing. Allele origin: germline. Affected: no.

GeneDx
Classification: Benign. Last evaluated: 2020-01-02. Review status: criteria provided, single submitter. Criteria: GeneDx Variant Classification Process June 2021. Collection method: clinical testing. Allele origin: germline. Affected: yes.
Comment: This variant is associated with the following publications: (PMID: 32141364, 12764676)

Illumina Laboratory Services, Illumina
Classification: Benign for Retinitis pigmentosa. Last evaluated: 2018-03-06. Review status: criteria provided, single submitter. Criteria: ICSL Variant Classification Criteria 13 December 2019. Collection method: clinical testing. Allele origin: germline.
Comment: This variant was observed in the ICSL laboratory as part of a predisposition screen in an ostensibly healthy population. It had not been previously curated by ICSL or reported in the Human Gene Mutation Database (HGMD: prior to June 1st, 2018), and was therefore a candidate for classification through an automated scoring system. Utilizing variant allele frequency, disease prevalence and penetrance estimates, and inheritance mode, an automated score was calculated to assess if this variant is too frequent to cause the disease. Based on the score and internal cut-off values, a variant classified as benign is not then subjected to further curation. The score for this variant resulted in a classification of benign for this disease.

Eurofins Ntd Llc (ga)
Classification: Benign. Last evaluated: 2013-10-02. Review status: criteria provided, single submitter. Criteria: EGL Classification Definitions 2015. Collection method: clinical testing. Allele origin: germline. Observed: 5 variant alleles, 4 heterozygotes, 1 homozygote.

Breakthrough Genomics
Classification: Likely benign. Review status: criteria provided, single submitter. Criteria: ACMG Guidelines, 2015. Collection method: not provided. Allele origin: germline. Inheritance: Autosomal dominant inheritance. Affected: yes.

PreventionGenetics, part of Exact Sciences
Classification: Likely benign. Review status: criteria provided, single submitter. Criteria: ACMG Guidelines, 2015. Collection method: clinical testing. Allele origin: germline.

OMIM
Classification: Benign for RECLASSIFIED - RP1 POLYMORPHISM. Last evaluated: 2010-07-15. Review status: no assertion criteria provided. Collection method: literature only. Allele origin: germline. Not counted in ClinVar's aggregate classification.

Literature cited by the submitters: PubMed 12764676 (cited by OMIM); PubMed 20664799 (cited by OMIM); Exome Variant Server NHLBI GO Exome Sequencing Project (ESP), Seattle, WA. 2014. (cited by OMIM).

NM_006269.2(RP1):c.2953A>T (p.Asn985Tyr)

Gene: RP1 (RP1 axonemal microtubule associated; plus strand). Cytogenetic location: 8q12.1.
Variant type: single nucleotide variant.
Coding change: c.2953A>T on transcript NM_006269.2 (MANE Select); coding-DNA position 2953, A replaced by T.
Protein change: p.Asn985Tyr; replaces asparagine 985 with tyrosine.
Molecular consequence: missense variant.
Genome position (GRCh38, 1-based): chr8:54,626,835, A>T. VCF-style: chr8-54626835-A-T. GRCh37 (hg19) VCF-style: chr8-55539395-A-T.
Other names: RP1, ASN985TYR (rs2293869); short protein forms N985Y.
Identifiers: ClinVar variation 5969 (VCV000005969.29), dbSNP rs2293869, ClinGen allele CA117881.